The following is an entry in ClinVar:

ClinVar aggregate classification (germline): Uncertain significance (1 of 4 stars; one submission).

Conditions:
Cenani-Lenz syndactyly syndrome. Also called: CENANI SYNDACTYLISM; SYNDACTYLY, TYPE VII. Identifiers: Orphanet 3258, MedGen C1859309, MONDO:0008931, OMIM 212780.
Sclerosteosis 2 (SOST2). Identifiers: Orphanet 3152, MedGen C3280402, MONDO:0013679, OMIM 614305.
Congenital myasthenic syndrome 17. Identifiers: Orphanet 590, MedGen C4225377, MONDO:0014578, OMIM 616304.

Allele frequency attached by ClinVar (database versions not stated): TOPMed below 0.00001.

Submission:

Labcorp Genetics (formerly Invitae), Labcorp
Classification: Uncertain significance for Cenani-Lenz syndactyly syndrome; Sclerosteosis 2; Congenital myasthenic syndrome 17. Last evaluated: 2022-09-07. Review status: criteria provided, single submitter. Criteria: Invitae Variant Classification Sherloc (09022015). Collection method: clinical testing. Allele origin: germline.
Comment: In summary, the available evidence is currently insufficient to determine the role of this variant in disease. Therefore, it has been classified as a Variant of Uncertain Significance. This sequence change replaces arginine, which is basic and polar, with cysteine, which is neutral and slightly polar, at codon 86 of the LRP4 protein (p.Arg86Cys). This variant is present in population databases (no rsID available, gnomAD 0.003%). This variant has not been reported in the literature in individuals affected with LRP4-related conditions. Algorithms developed to predict the effect of missense changes on protein structure and function are either unavailable or do not agree on the potential impact of this missense change (SIFT: "Deleterious"; PolyPhen-2: "Possibly Damaging"; Align-GVGD: "Class C0").

NM_002334.4(LRP4):c.256C>T (p.Arg86Cys)

Gene: LRP4 (LDL receptor related protein 4; minus strand). Cytogenetic location: 11p11.2.
Variant type: single nucleotide variant.
Coding change: c.256C>T on transcript NM_002334.4 (MANE Select); coding-DNA position 256, C replaced by T.
Protein change: p.Arg86Cys; replaces arginine 86 with cysteine.
Molecular consequence: missense variant.
Genome position (GRCh38, 1-based): chr11:46,900,322, G>A on the plus strand (C>T on the coding strand, the complement: LRP4 is on the minus strand). VCF-style: chr11-46900322-G-A. GRCh37 (hg19) VCF-style: chr11-46921873-G-A.
Other names: short protein forms R86C.
Identifiers: ClinVar variation 2068923 (VCV002068923.4), dbSNP rs1466848737, ClinGen allele CA380290337.